The following is an entry in ClinVar:

ClinVar aggregate classification (germline): Uncertain significance (1 of 4 stars; one submission).

Conditions:
Inborn genetic diseases. Identifiers: MedGen C0950123, MeSH D030342.

gnomAD v4.1: 1 of 1,614,158 alleles (0.000062%); highest among the groups gnomAD compares: East Asian, 0.0022%; no homozygotes.

Submission:

Ambry Genetics
Classification: Uncertain significance for Inborn genetic diseases. Last evaluated: 2025-11-12. Review status: criteria provided, single submitter. Criteria: Ambry Variant Classification Scheme 2023. Collection method: clinical testing. Allele origin: germline.
Comment: The p.K164E variant (also known as c.490A>G), located in coding exon 3 of the ANKRD26 gene, results from an A to G substitution at nucleotide position 490. The lysine at codon 164 is replaced by glutamic acid, an amino acid with similar properties. This amino acid position is conserved. In addition, this alteration is predicted to be tolerated by in silico analysis. Based on the available evidence, the clinical significance of this variant remains unclear.

NM_014915.3(ANKRD26):c.490A>G (p.Lys164Glu)

Gene: ANKRD26 (ankyrin repeat domain 26; minus strand). Cytogenetic location: 10p12.1.
Variant type: single nucleotide variant.
Coding change: c.490A>G on transcript NM_014915.3 (MANE Select); coding-DNA position 490, A replaced by G.
Protein change: p.Lys164Glu; replaces lysine 164 with glutamic acid.
Molecular consequence: missense variant.
Genome position (GRCh38, 1-based): chr10:27,093,390, T>C on the plus strand (A>G on the coding strand, the complement: ANKRD26 is on the minus strand). VCF-style: chr10-27093390-T-C. GRCh37 (hg19) VCF-style: chr10-27382319-T-C.
Other names: c.490A>G, p.Lys164Glu (NM_001256053.2); short protein forms K164E.
Identifiers: ClinVar variation 4579958 (VCV004579958.1).